The following is an entry in ClinVar:

NM_016151.4(TAOK2):c.1161GGA[5] (p.Glu392_Gly393insGlu)

Gene: TAOK2 (TAO kinase 2; plus strand). Cytogenetic location: 16p11.2.
Variant type: Microsatellite.
Coding change: c.1161GGA[5] on transcript NM_016151.4 (MANE Select); five copies in a row of the 3-base unit GGA starting at c.1161; the reference has four copies in a row; one copy, 3 bases duplicated.
Protein change: p.Glu392_Gly393insGlu.
Molecular consequence: inframe insertion.
Genome position (GRCh38, 1-based): chr16:29,983,242-29,983,244, GGA duplicated; duplicating any 3 consecutive bases within chr16:29,983,231-29,983,244 gives the same sequence; the position shown is the placement nearest the transcript's 3' end. VCF-style (leftmost placement, unchanged base first): chr16-29983230-A-AGAG. GRCh37 (hg19) VCF-style: chr16-29994551-A-AGAG.
Other names: c.1161GGA[5], p.Glu392_Gly393insGlu (NM_001252043.2, NM_004783.4).
Identifiers: ClinVar variation 3619550 (VCV003619550.2).
Genomic context (GRCh38, chr16:29,983,230, plus strand): 5'-CTCCGTCAACAGCCTAGCAGATGCCTCAGACAACGAGGAAGAGGAGGAGGAGGAGGAGGA[A>AGAG]GAGGAGGAGGAGGAAGAAGGCCCTGAAGCCCGGGAGATGGCCATGATGCAGGAGGGGGAG-3'

ClinVar aggregate classification (germline): Uncertain significance (1 of 4 stars; one submission).

Submission:

Labcorp Genetics (formerly Invitae), Labcorp
Classification: Uncertain significance. Last evaluated: 2025-12-15. Review status: criteria provided, single submitter. Criteria: Invitae Variant Classification Sherloc (09022015). Collection method: clinical testing. Allele origin: germline.
Comment: This variant, c.1170_1172dup, results in the insertion of 1 amino acid(s) of the TAOK2 protein (p.Glu392dup), but otherwise preserves the integrity of the reading frame. The frequency data for this variant in the population databases is considered unreliable, as metrics indicate poor data quality at this position in the gnomAD database. This variant has not been reported in the literature in individuals affected with TAOK2-related conditions. Experimental studies and prediction algorithms are not available or were not evaluated, and the functional significance of this variant is currently unknown. In summary, the available evidence is currently insufficient to determine the role of this variant in disease. Therefore, it has been classified as a Variant of Uncertain Significance.